The following is an entry in ClinVar:

ClinVar aggregate classification (germline): Uncertain significance (1 of 4 stars; one submission).

Submission:

Labcorp Genetics (formerly Invitae), Labcorp
Classification: Uncertain significance. Last evaluated: 2023-08-24. Review status: criteria provided, single submitter. Criteria: Invitae Variant Classification Sherloc (09022015). Collection method: clinical testing. Allele origin: germline.
Comment: In summary, the available evidence is currently insufficient to determine the role of this variant in disease. Therefore, it has been classified as a Variant of Uncertain Significance. Advanced modeling of protein sequence and biophysical properties (such as structural, functional, and spatial information, amino acid conservation, physicochemical variation, residue mobility, and thermodynamic stability) performed at Invitae indicates that this missense variant is expected to disrupt BEST1 protein function. ClinVar contains an entry for this variant (Variation ID: 2092116). This variant has not been reported in the literature in individuals affected with BEST1-related conditions. This variant is not present in population databases (gnomAD no frequency). This sequence change replaces tyrosine, which is neutral and polar, with asparagine, which is neutral and polar, at codon 5 of the BEST1 protein (p.Tyr5Asn).

NM_004183.4(BEST1):c.13T>A (p.Tyr5Asn)

Gene: BEST1 (bestrophin 1; plus strand). Cytogenetic location: 11q12.3.
Variant type: single nucleotide variant.
Coding change: c.13T>A on transcript NM_004183.4 (MANE Select); coding-DNA position 13, T replaced by A.
Protein change: p.Tyr5Asn; replaces tyrosine 5 with asparagine.
Molecular consequence: missense variant. On other transcripts: non-coding transcript variant (1), intron variant (6).
Genome position (GRCh38, 1-based): chr11:61,951,819, T>A. VCF-style: chr11-61951819-T-A. GRCh37 (hg19) VCF-style: chr11-61719291-T-A.
Other names: c.13T>A, p.Tyr5Asn (NM_001363592.2, NM_001440571.1, NM_001440572.1 and 1 more transcripts); c.-29+1392T>A (NM_001139443.3, NM_001300787.2, NM_001440574.1 and 3 more transcripts); short protein forms Y5N.
Identifiers: ClinVar variation 2092116 (VCV002092116.4), dbSNP rs2541331793, ClinGen allele CA380830883.
Genomic context (GRCh38, chr11:61,951,819, plus strand): 5'-CCTCTCTACCAGGACCCAAGCCCACCTGCTGCAGCCCACTGCCTGGCCATGACCATCACT[T>A]ACACAAGCCAAGTGGCTAATGCCCGCTTAGGCTCCTTCTCCCGCCTGCTGCTGTGCTGGC-3'
Protein context (NP_004174.1, residues 1-15): MTIT[Tyr5Asn]TSQVANARLG